The following is an entry in ClinVar:

NM_014738.6(TMEM94):c.2805G>A (p.Thr935=)

Gene: TMEM94 (transmembrane protein 94; plus strand). Cytogenetic location: 17q25.1.
Variant type: single nucleotide variant.
Coding change: c.2805G>A on transcript NM_014738.6 (MANE Select); coding-DNA position 2805, G replaced by A.
Protein change: p.Thr935=; no amino-acid change (threonine 935 retained).
Molecular consequence: synonymous variant.
Genome position (GRCh38, 1-based): chr17:75,495,360, G>A. VCF-style: chr17-75495360-G-A. GRCh37 (hg19) VCF-style: chr17-73491441-G-A.
Other names: c.2835G>A, p.Thr945= (NM_001321148.2); c.2817G>A, p.Thr939= (NM_001321149.2); c.2757G>A, p.Thr919= (NM_001351202.2); c.2832G>A, p.Thr944= (NM_001351203.2).
Identifiers: ClinVar variation 2648258 (VCV002648258.25), dbSNP rs147271273, ClinGen allele CA8762260.
Genomic context (GRCh38, chr17:75,495,360, plus strand): 5'-AGAAGGGCTCCTCCTCATGGAGGAGGAGGGCCACTCGGACCTCATCAGCTTCCAGCCTAC[G>A]GACAGCGACATCCCCAGCTTCCTGGAGGACTCCAACCGGGTACGATGGCAGGATCTGTCT-3'
Protein context (NP_055553.3, residues 925-945): GHSDLISFQP[Thr935=]DSDIPSFLED

ClinVar aggregate classification (germline): Likely benign. Review status: criteria provided, multiple submitters, no conflicts (2 of 4 stars). 2 submissions from 2 submitters: Likely benign (2). Last evaluated 2024-11-22.

Allele frequency attached by ClinVar (database versions not stated): ExAC 0.00021; gnomAD 0.00025; TOPMed 0.00034; ESP Exome Variant Server 0.00038; gnomAD exomes 0.00039.

Submissions (2):

Blueprint Genetics
Classification: Likely benign. Last evaluated: 2024-11-22. Review status: criteria provided, single submitter. Criteria: ACMG Guidelines, 2015. Collection method: clinical testing. Allele origin: germline.

CeGaT Center for Human Genetics Tuebingen
Classification: Likely benign. Last evaluated: 2023-12-01. Review status: criteria provided, single submitter. Criteria: CeGaT Center For Human Genetics Tuebingen Variant Classification Criteria Version 2. Collection method: clinical testing. Allele origin: germline. Affected: yes. Observed: 2 variant alleles.
Comment: TMEM94: BP4, BP7